The following is an entry in ClinVar:

ClinVar aggregate classification (germline): Uncertain significance. Review status: criteria provided, multiple submitters, no conflicts (2 of 4 stars). 2 submissions from 2 submitters: Uncertain significance (2). Last evaluated 2022-07-15.

Conditions:
Mitochondrial DNA depletion syndrome 13. Also called: FBXL4-Related Encephalomyopathic Mitochondrial DNA Depletion Syndrome; Mitochondrial DNA depletion syndrome 13 (encephalomyopathic type). Identifiers: Orphanet 369897, MedGen C3809592, MONDO:0014198, OMIM 615471.

Allele frequency attached by ClinVar (database versions not stated): gnomAD exomes 0.00001; ExAC 0.00003.
gnomAD v4.1: 3 of 1,613,932 alleles (0.00019%); highest among the groups gnomAD compares: Admixed American, 0.005%; no homozygotes.

Submissions (2):

Labcorp Genetics (formerly Invitae), Labcorp
Classification: Uncertain significance. Last evaluated: 2022-07-15. Review status: criteria provided, single submitter. Criteria: Invitae Variant Classification Sherloc (09022015). Collection method: clinical testing. Allele origin: germline.
Comment: In summary, the available evidence is currently insufficient to determine the role of this variant in disease. Therefore, it has been classified as a Variant of Uncertain Significance. Advanced modeling of protein sequence and biophysical properties (such as structural, functional, and spatial information, amino acid conservation, physicochemical variation, residue mobility, and thermodynamic stability) performed at Invitae indicates that this missense variant is expected to disrupt FBXL4 protein function. ClinVar contains an entry for this variant (Variation ID: 437651). This variant has not been reported in the literature in individuals affected with FBXL4-related conditions. This variant is present in population databases (rs747126681, gnomAD 0.01%). This sequence change replaces cysteine, which is neutral and slightly polar, with arginine, which is basic and polar, at codon 301 of the FBXL4 protein (p.Cys301Arg).

Wong Mito Lab, Molecular and Human Genetics, Baylor College of Medicine
Classification: Uncertain significance for Mitochondrial DNA depletion syndrome 13. Last evaluated: 2017-08-10. Review status: criteria provided, single submitter. Criteria: ACMG Guidelines, 2015. Collection method: reference population. Allele origin: germline.
Comment: The NM_012160.4:c.901T>C (NP_036292.2:p.Cys301Arg) [GRCH38: NC_000006.12:g.98905628A>G] variant in FBXL4 gene is interpretated to be a Uncertain Significance - Insufficient Evidence based on ACMG guidelines (PMID: 25741868). This variant meets one or more of the following evidence codes reported in the ACMG-guideline. PM2:This variant is absent in key population databases. Based on this evidence code ClinGen Pathogenicity Calculator (PMID:28081714) suggested that the variant is Uncertain Significance - Insufficient Evidence.

NM_001278716.2(FBXL4):c.901T>C (p.Cys301Arg)

Gene: FBXL4 (F-box and leucine rich repeat protein 4; minus strand). Cytogenetic location: 6q16.2.
Variant type: single nucleotide variant.
Coding change: c.901T>C on transcript NM_001278716.2 (MANE Select); coding-DNA position 901, T replaced by C.
Protein change: p.Cys301Arg; replaces cysteine 301 with arginine.
Molecular consequence: missense variant. On other transcripts: non-coding transcript variant (2).
Genome position (GRCh38, 1-based): chr6:98,905,628, A>G on the plus strand (T>C on the coding strand, the complement: FBXL4 is on the minus strand). VCF-style: chr6-98905628-A-G. GRCh37 (hg19) VCF-style: chr6-99353504-A-G.
Other names: c.901T>C, p.Cys301Arg (NM_012160.5); short protein forms C301R.
Identifiers: ClinVar variation 437651 (VCV000437651.6), dbSNP rs747126681, ClinGen allele CA3933588.